The following is an entry in ClinVar:

NM_001018005.2(TPM1):c.*20C>T

Gene: TPM1 (tropomyosin 1; plus strand). Cytogenetic location: 15q22.2.
Variant type: single nucleotide variant.
Coding change: c.*20C>T on transcript NM_001018005.2 (MANE Select); 20 bases downstream of the stop codon, C replaced by T.
Molecular consequence: 3 prime UTR variant. On other transcripts: missense variant (5), non-coding transcript variant (6), intron variant (14).
Genome position (GRCh38, 1-based): chr15:63,065,919, C>T. VCF-style: chr15-63065919-C-T. GRCh37 (hg19) VCF-style: chr15-63358118-C-T.
Other names: c.*68C>T (NM_000366.6, NM_001365779.1, NM_001407323.1 and 1 more transcripts); c.*20C>T (NM_001301244.2, NM_001330346.2, NM_001407322.1 and 3 more transcripts); c.796C>T, p.Pro266Ser (NM_001365777.1, NM_001407327.1, NM_001407328.1); c.688C>T, p.Pro230Ser (NM_001365780.1, NM_001407342.1); c.*1773C>T (NM_001365781.2, NM_001365782.1, NM_001407333.1 and 1 more transcripts); c.898+3274C>T (NM_001365778.1); c.772+3274C>T (NM_001407336.1, NM_001018020.2, NM_001407338.1 and 5 more transcripts); c.851+1777C>T (NM_001407326.1); and 1 more; short protein forms P230S, P266S.
Identifiers: ClinVar variation 4985821 (VCV004985821.1).

ClinVar aggregate classification (germline): Uncertain significance (1 of 4 stars; one submission).

Conditions:
TPM1-related disorder. Also called: TPM1-related condition.

gnomAD v4.1: 31 of 1,610,554 alleles (0.0019%); highest among the groups gnomAD compares: Non-Finnish European, 0.0026%; no homozygotes.

Submission:

PreventionGenetics, part of Exact Sciences
Classification: Uncertain significance for TPM1-related condition. Last evaluated: 2026-08-05. Review status: criteria provided, single submitter. Criteria: ACMG Guidelines, 2015. Collection method: clinical testing. Allele origin: germline.
Comment: The TPM1 c.688C>T variant is predicted to result in the amino acid substitution p.Pro230Ser. This variant corresponds to a post-coding position in an alternate transcript for this gene (NM_001018005.2:c.*20C>T). To our knowledge, this variant has not been reported in the literature. This variant is reported in 0.0048% of alleles in individuals of European (Finnish) descent in gnomAD. At this time, the clinical significance of this variant is uncertain due to the absence of conclusive functional and genetic evidence.